The following is an entry in ClinVar:

ClinVar aggregate classification (germline): Uncertain significance. Review status: criteria provided, multiple submitters, no conflicts (2 of 4 stars). 3 submissions from 3 submitters: Uncertain significance (3). Last evaluated 2026-05-06.

Conditions:
BAP1-related tumor predisposition syndrome (TPDS1). Also called: Tumor susceptibility linked to germline BAP1 mutations; COMMON Syndrome; TUMOR PREDISPOSITION SYNDROME 1; BAP1 tumor predisposition syndrome. Identifiers: Orphanet 289539, MedGen C3280492, MONDO:0013692, OMIM 614327.
Hereditary cancer-predisposing syndrome. Also called: Hereditary neoplastic syndrome; Neoplastic Syndromes, Hereditary; Tumor predisposition; Hereditary Cancer Syndrome. Identifiers: Orphanet 140162, MedGen C0027672, MeSH D009386, MONDO:0015356.

Allele frequency attached by ClinVar (database versions not stated): gnomAD exomes below 0.00001.
gnomAD v4.1: 1 of 1,613,052 alleles (0.000062%); highest among the groups gnomAD compares: Non-Finnish European, 0.000085%; no homozygotes.

Submissions (3):

Ambry Genetics
Classification: Uncertain significance for Hereditary cancer-predisposing syndrome. Last evaluated: 2026-05-06. Review status: criteria provided, single submitter. Criteria: Ambry Variant Classification Scheme 2023. Collection method: clinical testing. Allele origin: germline.
Comment: The p.V99M variant (also known as c.295G>A), located in coding exon 5 of the BAP1 gene, results from a G to A substitution at nucleotide position 295. The valine at codon 99 is replaced by methionine, an amino acid with highly similar properties. This variant has been observed in multiple individuals with a personal and/or family history that is consistent with BAP1-related tumor predisposition syndrome (Zauderer MG et al. J Thorac Oncol, 2019 Nov;14:1989-1994; Ambry internal data). This amino acid position is highly conserved in available vertebrate species. In addition, this alteration is predicted to be deleterious by in silico analysis. Based on the available evidence, the clinical significance of this alteration remains unclear.

Color Diagnostics, LLC DBA Color Health
Classification: Uncertain significance for Hereditary cancer-predisposing syndrome. Last evaluated: 2025-05-21. Review status: criteria provided, single submitter. Criteria: ACMG Guidelines, 2015. Collection method: clinical testing. Allele origin: germline.
Comment: This missense variant replaces valine with methionine at codon 99 of the BAP1 protein. Computational prediction is inconclusive regarding the impact of this variant on protein structure and function. To our knowledge, functional studies have not been reported for this variant. This variant has been reported in individuals affected with BAP1-related tumor predisposition syndrome (PMID: 38824259ClinVar Accession: SCV005023342.1). This variant has not been identified in the general population by the Genome Aggregation Database (gnomAD). The available evidence is insufficient to determine the role of this variant in disease conclusively. Therefore, this variant is classified as a Variant of Uncertain Significance.

Labcorp Genetics (formerly Invitae), Labcorp
Classification: Uncertain significance for BAP1-related tumor predisposition syndrome. Last evaluated: 2025-02-27. Review status: criteria provided, single submitter. Criteria: Invitae Variant Classification Sherloc (09022015). Collection method: clinical testing. Allele origin: germline.
Comment: This sequence change replaces valine, which is neutral and non-polar, with methionine, which is neutral and non-polar, at codon 99 of the BAP1 protein (p.Val99Met). This variant is not present in population databases (gnomAD no frequency). This variant has not been reported in the literature in individuals affected with BAP1-related conditions. ClinVar contains an entry for this variant (Variation ID: 1017142). Invitae Evidence Modeling of protein sequence and biophysical properties (such as structural, functional, and spatial information, amino acid conservation, physicochemical variation, residue mobility, and thermodynamic stability) indicates that this missense variant is expected to disrupt BAP1 protein function with a positive predictive value of 80%. In summary, the available evidence is currently insufficient to determine the role of this variant in disease. Therefore, it has been classified as a Variant of Uncertain Significance.

Literature cited by the submitters: PubMed 31323388 (cited by Ambry Genetics); PubMed 38824259 (cited by Color Diagnostics, LLC DBA Color Health).

NM_004656.4(BAP1):c.295G>A (p.Val99Met)

Gene: BAP1 (BRCA1 associated deubiquitinase 1; minus strand). Cytogenetic location: 3p21.1.
Variant type: single nucleotide variant.
Coding change: c.295G>A on transcript NM_004656.4 (MANE Select); coding-DNA position 295, G replaced by A.
Protein change: p.Val99Met; replaces valine 99 with methionine.
Molecular consequence: missense variant.
Genome position (GRCh38, 1-based): chr3:52,408,038, C>T on the plus strand (G>A on the coding strand, the complement: BAP1 is on the minus strand). VCF-style: chr3-52408038-C-T. GRCh37 (hg19) VCF-style: chr3-52442054-C-T.
Other names: c.295G>A (NM_004656.2); short protein forms V99M.
Identifiers: ClinVar variation 1017142 (VCV001017142.7), dbSNP rs1705221915, ClinGen allele CA353112429.